The following is an entry in ClinVar:

NM_000214.3(JAG1):c.771G>A (p.Trp257Ter)

Gene: JAG1 (jagged canonical Notch ligand 1; minus strand). Cytogenetic location: 20p12.2.
Variant type: single nucleotide variant.
Coding change: c.771G>A on transcript NM_000214.3 (MANE Select); coding-DNA position 771, G replaced by A.
Protein change: p.Trp257Ter; replaces tryptophan 257 with a stop codon.
Molecular consequence: nonsense.
Genome position (GRCh38, 1-based): chr20:10,652,583, C>T on the plus strand (G>A on the coding strand, the complement: JAG1 is on the minus strand). VCF-style: chr20-10652583-C-T. GRCh37 (hg19) VCF-style: chr20-10633231-C-T.
Other names: short protein forms W257*.
Identifiers: ClinVar variation 1703444 (VCV001703444.5), dbSNP rs868134621, ClinGen allele CA311349844.

ClinVar aggregate classification (germline): Pathogenic. Review status: criteria provided, multiple submitters, no conflicts (2 of 4 stars). 2 submissions from 2 submitters: Pathogenic (2). Last evaluated 2023-11-24.

Conditions:
Alagille syndrome due to a JAG1 point mutation. Also called: JAG1-Related Alagille Syndrome; Alagille Syndrome 1; HEPATIC DUCTULAR HYPOPLASIA, SYNDROMATIC. Identifiers: Orphanet 261619, Orphanet 52, MedGen C1956125, MONDO:0016862, OMIM 118450.

Submissions (2):

Labcorp Genetics (formerly Invitae), Labcorp
Classification: Pathogenic for Alagille syndrome due to a JAG1 point mutation. Last evaluated: 2023-11-24. Review status: criteria provided, single submitter. Criteria: Invitae Variant Classification Sherloc (09022015). Collection method: clinical testing. Allele origin: germline.
Comment: This sequence change creates a premature translational stop signal (p.Trp257*) in the JAG1 gene. It is expected to result in an absent or disrupted protein product. Loss-of-function variants in JAG1 are known to be pathogenic (PMID: 11180599). This variant is not present in population databases (gnomAD no frequency). This premature translational stop signal has been observed in individual(s) with alagille syndrome (PMID: 30074189). ClinVar contains an entry for this variant (Variation ID: 1703444). For these reasons, this variant has been classified as Pathogenic.

GeneDx
Classification: Pathogenic. Last evaluated: 2022-08-24. Review status: criteria provided, single submitter. Criteria: GeneDx Variant Classification Process June 2021. Collection method: clinical testing. Allele origin: germline. Affected: yes.
Comment: Nonsense variant predicted to result in protein truncation or nonsense mediated decay in a gene for which loss of function is a known mechanism of disease; Not observed at significant frequency in large population cohorts (gnomAD); This variant is associated with the following publications: (PMID: 30074189)

Literature cited by the submitters: PubMed 11180599 (cited by Labcorp Genetics (formerly Invitae), Labcorp); PubMed 30074189 (cited by Labcorp Genetics (formerly Invitae), Labcorp).